The following is an entry in ClinVar:

NM_001197104.2(KMT2A):c.9352A>T (p.Met3118Leu)

Gene: KMT2A (lysine methyltransferase 2A; plus strand). Cytogenetic location: 11q23.3.
Variant type: single nucleotide variant.
Coding change: c.9352A>T on transcript NM_001197104.2 (MANE Select); coding-DNA position 9352, A replaced by T.
Protein change: p.Met3118Leu; replaces methionine 3118 with leucine.
Molecular consequence: missense variant.
Genome position (GRCh38, 1-based): chr11:118,505,244, A>T. VCF-style: chr11-118505244-A-T. GRCh37 (hg19) VCF-style: chr11-118375959-A-T.
Other names: c.9343A>T, p.Met3115Leu (NM_005933.4); short protein forms M3118L, M3115L.
Identifiers: ClinVar variation 1372103 (VCV001372103.8), dbSNP rs2134404665, ClinGen allele CA382820053.

ClinVar aggregate classification (germline): Uncertain significance (1 of 4 stars; one submission).

Submission:

Labcorp Genetics (formerly Invitae), Labcorp
Classification: Uncertain significance. Last evaluated: 2021-03-17. Review status: criteria provided, single submitter. Criteria: Invitae Variant Classification Sherloc (09022015). Collection method: clinical testing. Allele origin: germline.
Comment: Advanced modeling of protein sequence and biophysical properties (such as structural, functional, and spatial information, amino acid conservation, physicochemical variation, residue mobility, and thermodynamic stability) performed at Invitae indicates that this missense variant is not expected to disrupt KMT2A protein function. This variant has not been reported in the literature in individuals with KMT2A-related conditions. In summary, the available evidence is currently insufficient to determine the role of this variant in disease. Therefore, it has been classified as a Variant of Uncertain Significance. This variant is not present in population databases (ExAC no frequency). This sequence change replaces methionine with leucine at codon 3118 of the KMT2A protein (p.Met3118Leu). The methionine residue is moderately conserved and there is a small physicochemical difference between methionine and leucine.